The following is an entry in ClinVar:

ClinVar aggregate classification (germline): Conflicting classifications of pathogenicity. Review status: criteria provided, conflicting classifications (1 of 4 stars). 3 submissions from 3 submitters: Uncertain significance (1); Likely benign (2). Last evaluated 2025-10-01.

Conditions:
Inborn genetic diseases. Identifiers: MedGen C0950123, MeSH D030342.

Allele frequency attached by ClinVar (database versions not stated): gnomAD exomes below 0.00001 and 0.00004; TOPMed 0.00001; ExAC 0.00002; gnomAD 0.00002.
gnomAD v4.1: 63 of 1,613,938 alleles (0.0039%); highest among the groups gnomAD compares: Non-Finnish European, 0.0051%; no homozygotes.

Submissions (3):

CeGaT Center for Human Genetics Tuebingen
Classification: Likely benign. Last evaluated: 2025-10-01. Review status: criteria provided, single submitter. Criteria: CeGaT Center For Human Genetics Tuebingen Variant Classification Criteria Version 2. Collection method: clinical testing. Allele origin: germline. Affected: yes. Observed: 1 variant allele.
Comment: ARID1A: BP4, BS2

Ambry Genetics
Classification: Likely benign for Inborn genetic diseases. Last evaluated: 2025-05-06. Review status: criteria provided, single submitter. Criteria: Ambry Variant Classification Scheme 2023. Collection method: clinical testing. Allele origin: germline.

Genetic Services Laboratory, University of Chicago
Classification: Uncertain significance. Last evaluated: 2019-01-08. Review status: criteria provided, single submitter. Criteria: ACMG Guidelines, 2015. Collection method: clinical testing. Allele origin: germline. Affected: no.

NM_006015.6(ARID1A):c.1892G>C (p.Ser631Thr)

Gene: ARID1A (AT-rich interaction domain 1A; plus strand). Cytogenetic location: 1p36.11.
Variant type: single nucleotide variant.
Coding change: c.1892G>C on transcript NM_006015.6 (MANE Select); coding-DNA position 1892, G replaced by C.
Protein change: p.Ser631Thr; replaces serine 631 with threonine.
Molecular consequence: missense variant.
Genome position (GRCh38, 1-based): chr1:26,732,764, G>C. VCF-style: chr1-26732764-G-C. GRCh37 (hg19) VCF-style: chr1-27059255-G-C.
Other names: c.1892G>C, p.Ser631Thr (NM_139135.4); short protein forms S631T.
Identifiers: ClinVar variation 1336987 (VCV001336987.11), dbSNP rs748512916, ClinGen allele CA706870.
Genomic context (GRCh38, chr1:26,732,764, plus strand): 5'-AGGCATCCTCAGCCCCCTCAATGACCTCCAGTAAGGGAGGGCAAGAAGATATGAACCTGA[G>C]CCTTCAGTCAAGACCCTCCAGCTTGCCTGTGAGTATTTCTGCACCTTCTGAAAGGTGATA-3'
Protein context (NP_006006.3, residues 621-641): SKGGQEDMNL[Ser631Thr]LQSRPSSLPD